The following is an entry in ClinVar:

NM_002016.2(FLG):c.7628G>T (p.Ser2543Ile)

Genes: CCDST (cervical cancer associated DHX9 suppressive transcript; plus strand), FLG (filaggrin; minus strand). Cytogenetic location: 1q21.3.
Variant type: single nucleotide variant.
Coding change: c.7628G>T on transcript NM_002016.2 (MANE Select); coding-DNA position 7628, G replaced by T.
Protein change: p.Ser2543Ile; replaces serine 2543 with isoleucine.
Molecular consequence: missense variant.
Genome position (GRCh38, 1-based): chr1:152,307,258, C>A on the plus strand (G>T on the coding strand, the complement: FLG is on the minus strand). VCF-style: chr1-152307258-C-A. GRCh37 (hg19) VCF-style: chr1-152279734-C-A.
Other names: short protein forms S2543I.
Identifiers: ClinVar variation 3024908 (VCV003024908.22), dbSNP rs12081093, ClinGen allele CA1104622.

ClinVar aggregate classification (germline): Likely benign (1 of 4 stars; one submission).

Allele frequency attached by ClinVar (database versions not stated): 1000 Genomes Project 0.00419.
gnomAD v4.1: 53 of 1,608,688 alleles (0.0033%); highest among the groups gnomAD compares: South Asian, 0.0066%; no homozygotes.

Submission:

CeGaT Center for Human Genetics Tuebingen
Classification: Likely benign. Last evaluated: 2024-05-01. Review status: criteria provided, single submitter. Criteria: CeGaT Center For Human Genetics Tuebingen Variant Classification Criteria Version 2. Collection method: clinical testing. Allele origin: germline. Affected: yes. Observed: 2 variant alleles.
Comment: FLG: BP4, BS2